The following is an entry in ClinVar:

NM_004859.4(CLTC):c.1183C>T (p.Pro395Ser)

Gene: CLTC (clathrin heavy chain; plus strand). Cytogenetic location: 17q23.1.
Variant type: single nucleotide variant.
Coding change: c.1183C>T on transcript NM_004859.4 (MANE Select); coding-DNA position 1183, C replaced by T.
Protein change: p.Pro395Ser; replaces proline 395 with serine.
Molecular consequence: missense variant.
Genome position (GRCh38, 1-based): chr17:59,661,458, C>T. VCF-style: chr17-59661458-C-T. GRCh37 (hg19) VCF-style: chr17-57738819-C-T.
Other names: c.1195C>T, p.Pro399Ser (NM_001288653.2); short protein forms P395S, P399S.
Identifiers: ClinVar variation 3656699 (VCV003656699.2).

ClinVar aggregate classification (germline): Uncertain significance (1 of 4 stars; one submission).

gnomAD v4.1: 3 of 1,613,844 alleles (0.00019%); highest among the groups gnomAD compares: Non-Finnish European, 0.00025%; no homozygotes.

Submission:

Labcorp Genetics (formerly Invitae), Labcorp
Classification: Uncertain significance. Last evaluated: 2024-09-23. Review status: criteria provided, single submitter. Criteria: Invitae Variant Classification Sherloc (09022015). Collection method: clinical testing. Allele origin: germline.
Comment: This sequence change replaces proline, which is neutral and non-polar, with serine, which is neutral and polar, at codon 399 of the CLTC protein (p.Pro399Ser). This variant is not present in population databases (gnomAD no frequency). This variant has not been reported in the literature in individuals affected with CLTC-related conditions. Invitae Evidence Modeling of protein sequence and biophysical properties (such as structural, functional, and spatial information, amino acid conservation, physicochemical variation, residue mobility, and thermodynamic stability) indicates that this missense variant is not expected to disrupt CLTC protein function with a negative predictive value of 80%. In summary, the available evidence is currently insufficient to determine the role of this variant in disease. Therefore, it has been classified as a Variant of Uncertain Significance.